The following is an entry in ClinVar:

ClinVar aggregate classification (germline): Conflicting classifications of pathogenicity. Review status: criteria provided, conflicting classifications (1 of 4 stars). 3 submissions from 3 submitters: Uncertain significance (2); Likely benign (1). Last evaluated 2024-10-24.

Conditions:
Nephronophthisis 14 (NPHP14). Identifiers: Orphanet 2318, MedGen C3539071, MONDO:0013916, OMIM 614844.

Allele frequency attached by ClinVar (database versions not stated): gnomAD exomes 0.00001 and 0.00004; ExAC 0.00005; TOPMed 0.00009; gnomAD 0.00013 and 0.00014; ESP Exome Variant Server 0.00015; 1000 Genomes Project 30x 0.00016; 1000 Genomes Project 0.00020.
gnomAD v4.1: 41 of 1,613,906 alleles (0.0025%); highest among the groups gnomAD compares: African/African-American, 0.051%; no homozygotes.

Submissions (3):

Blueprint Genetics
Classification: Likely benign. Last evaluated: 2024-10-24. Review status: criteria provided, single submitter. Criteria: ACMG Guidelines, 2015. Collection method: clinical testing. Allele origin: germline.

Ambry Genetics
Classification: Uncertain significance. Last evaluated: 2024-09-04. Review status: criteria provided, single submitter. Criteria: Ambry Variant Classification Scheme 2023. Collection method: clinical testing. Allele origin: germline.

Labcorp Genetics (formerly Invitae), Labcorp
Classification: Uncertain significance for Nephronophthisis 14. Last evaluated: 2024-02-20. Review status: criteria provided, single submitter. Criteria: Invitae Variant Classification Sherloc (09022015). Collection method: clinical testing. Allele origin: germline.
Comment: This sequence change replaces proline, which is neutral and non-polar, with serine, which is neutral and polar, at codon 869 of the ZNF423 protein (p.Pro869Ser). This variant is present in population databases (rs145101991, gnomAD 0.05%). This variant has not been reported in the literature in individuals affected with ZNF423-related conditions. ClinVar contains an entry for this variant (Variation ID: 967498). Advanced modeling of protein sequence and biophysical properties (such as structural, functional, and spatial information, amino acid conservation, physicochemical variation, residue mobility, and thermodynamic stability) performed at Invitae indicates that this missense variant is not expected to disrupt ZNF423 protein function with a negative predictive value of 80%. In summary, the available evidence is currently insufficient to determine the role of this variant in disease. Therefore, it has been classified as a Variant of Uncertain Significance.

NM_001379286.1(ZNF423):c.2629C>T (p.Pro877Ser)

Gene: ZNF423 (zinc finger protein 423; minus strand). Cytogenetic location: 16q12.1.
Variant type: single nucleotide variant.
Coding change: c.2629C>T on transcript NM_001379286.1 (MANE Select); coding-DNA position 2629, C replaced by T.
Protein change: p.Pro877Ser; replaces proline 877 with serine.
Molecular consequence: missense variant.
Genome position (GRCh38, 1-based): chr16:49,636,547, G>A on the plus strand (C>T on the coding strand, the complement: ZNF423 is on the minus strand). VCF-style: chr16-49636547-G-A. GRCh37 (hg19) VCF-style: chr16-49670458-G-A.
Other names: c.2425C>T, p.Pro809Ser (NM_001271620.2); c.2254C>T, p.Pro752Ser (NM_001330533.2); c.2605C>T, p.Pro869Ser (NM_015069.5); c.2605C>T (NM_015069.2); short protein forms P869S, P752S, P809S, P877S.
Identifiers: ClinVar variation 967498 (VCV000967498.11), dbSNP rs145101991, ClinGen allele CA8046465.
Genomic context (GRCh38, chr16:49,636,547, plus strand): 5'-CACAGCCGTACATGGGCTCCGACGCGTCCACGTCATCCTCGCTGGCCTCATGGCTGTTAG[G>A]TGCCTCAGGGTTCTTAAGCAGCATGCCCTGCAGGTCAGCAGGCTCAGCTTTCTTGGTGGC-3'
Protein context (NP_001366215.1, residues 867-887): QGMLLKNPEA[Pro877Ser]NSHEASEDDV